The following is an entry in ClinVar:

Conditions:
Breast-ovarian cancer, familial, susceptibility to, 1 (BROVCA1). Also called: BRCA1 Hereditary Breast and Ovarian Cancer; OVARIAN CANCER, SUSCEPTIBILITY TO. Identifiers: Orphanet 145, MedGen C2676676, MONDO:0011450, OMIM 604370. Disease mechanism: loss of function.

Submission:

Brotman Baty Institute, University of Washington
No classification provided (evidence only). Condition: Breast-ovarian cancer, familial 1. Review status: no classification provided. Collection method: in vitro. Allele origin: not applicable. Functional consequence: functionally_normal.
ClinVar note: "not provided" was previously submitted as the classification for the variant. However, the classification appeared to be based only on an observation of functional data so it was converted to no classification on 2025-07-30.

NM_007294.4(BRCA1):c.-15T>G

Gene: BRCA1 (BRCA1 DNA repair associated; minus strand). Cytogenetic location: 17q21.31.
Variant type: single nucleotide variant.
Coding change: c.-15T>G on transcript NM_007294.4 (MANE Select); 15 bases upstream of the start codon, T replaced by G.
Molecular consequence: 5 prime UTR variant. On other transcripts: non-coding transcript variant (1).
Genome position (GRCh38, 1-based): chr17:43,124,111, A>C on the plus strand (T>G on the coding strand, the complement: BRCA1 is on the minus strand). VCF-style: chr17-43124111-A-C. GRCh37 (hg19) VCF-style: chr17-41276128-A-C.
Other names: c.-149T>G (NM_001407881.1, NM_001407898.1, NM_001407902.1); c.-203T>G (NM_001407882.1, NM_001407884.1, NM_001407887.1 and 42 more transcripts); c.-319T>G (NM_001407889.1, NM_001408492.1); c.-322T>G (NM_001407917.1, NM_001407954.1, NM_001408513.1); c.-15T>G (NM_001407919.1, NM_001407937.1, NM_001407938.1 and 169 more transcripts); c.-301T>G (NM_001407920.1, NM_001407697.1, NM_001407846.1); c.-275T>G (NM_001407921.1, NM_001407923.1, NM_001407927.1 and 22 more transcripts); c.-102T>G (NM_001407924.1, NM_001407925.1, NM_001407928.1 and 21 more transcripts); and 8 more.
Identifiers: ClinVar variation 869034 (VCV000869034.3), dbSNP rs2055750656, ClinGen allele CA916081166.